The following is an entry in ClinVar:

NM_205768.3(ZBTB18):c.896A>G (p.Tyr299Cys)

Gene: ZBTB18 (zinc finger and BTB domain containing 18; plus strand). Cytogenetic location: 1q44.
Variant type: single nucleotide variant.
Coding change: c.896A>G on transcript NM_205768.3 (MANE Select); coding-DNA position 896, A replaced by G.
Protein change: p.Tyr299Cys; replaces tyrosine 299 with cysteine.
Molecular consequence: missense variant.
Genome position (GRCh38, 1-based): chr1:244,054,670, A>G. VCF-style: chr1-244054670-A-G. GRCh37 (hg19) VCF-style: chr1-244217972-A-G.
Other names: c.869A>G, p.Tyr290Cys (NM_001278196.2, NM_006352.5); short protein forms Y290C, Y299C.
Identifiers: ClinVar variation 1325540 (VCV001325540.10), dbSNP rs528142333, ClinGen allele CA1484359.

ClinVar aggregate classification (germline): Conflicting classifications of pathogenicity. Review status: criteria provided, conflicting classifications (1 of 4 stars). 5 submissions from 5 submitters: Uncertain significance (2); Likely benign (3). Last evaluated 2026-01-12.

Conditions:
Inborn genetic diseases. Identifiers: MedGen C0950123, MeSH D030342.
Intellectual developmental disorder, autosomal dominant 22. Also called: Intellectual disability, autosomal dominant 22. Identifiers: MedGen CN029689, MONDO:0012869, OMIM 612337.

Allele frequency attached by ClinVar (database versions not stated): gnomAD exomes below 0.00001; gnomAD 0.00008 and 0.00009; TOPMed 0.00024; ExAC 0.00001; 1000 Genomes Project 0.00020; 1000 Genomes Project 30x 0.00016.

Submissions (5):

Ambry Genetics
Classification: Likely benign for Inborn genetic diseases. Last evaluated: 2026-01-12. Review status: criteria provided, single submitter. Criteria: Ambry Variant Classification Scheme 2023. Collection method: clinical testing. Allele origin: germline.

Labcorp Genetics (formerly Invitae), Labcorp
Classification: Likely benign. Last evaluated: 2025-05-23. Review status: criteria provided, single submitter. Criteria: Invitae Variant Classification Sherloc (09022015). Collection method: clinical testing. Allele origin: germline.

Women's Health and Genetics/Laboratory Corporation of America, LabCorp
Classification: Uncertain significance. Last evaluated: 2024-04-23. Review status: criteria provided, single submitter. Criteria: LabCorp Variant Classification Summary - May 2015. Collection method: clinical testing. Allele origin: germline.
Comment: Variant summary: ZBTB18 c.896A>G (p.Tyr299Cys) results in a non-conservative amino acid change in the encoded protein sequence. Three of five in-silico tools predict a damaging effect of the variant on protein function. The variant allele was found at a frequency of 4e-06 in 251490 control chromosomes. The available data on variant occurrences in the general population are insufficient to allow any conclusion about variant significance. To our knowledge, no occurrence of c.896A>G in individuals affected with Intellectual Disability, Autosomal Dominant 22 and no experimental evidence demonstrating its impact on protein function have been reported. ClinVar contains an entry for this variant (Variation ID: 1325540). Based on the evidence outlined above, the variant was classified as uncertain significance.

Blueprint Genetics
Classification: Likely benign. Last evaluated: 2022-07-26. Review status: criteria provided, single submitter. Criteria: ACMG Guidelines, 2015. Collection method: clinical testing. Allele origin: germline.

New York Genome Center
Classification: Uncertain significance for Intellectual developmental disorder, autosomal dominant 22. Last evaluated: 2020-04-14. Review status: criteria provided, single submitter. Criteria: NYGC Assertion Criteria 2020. Collection method: clinical testing. Allele origin: inherited. Observed: 1 heterozygote. Study: CSER-NYCKidSeq.
Comment: The heterozygous p.Tyr299Cys variant identified in ZBTB18 has not been reported in affected individuals in the literature. The variant has 0.000007 allele frequency in the gnomAD database (2 out of 282,888 heterozygous alleles) indicating it is a rare allele in the general population. The p.Tyr299Cys variant affects an evolutionarily conserved reside. In silico tools show conflicting predictions about pathogenicity of this variant. Based on the available evidence, the p.Tyr299Cys variant in the ZBTB18 gene is classified as a variant of uncertain significance.